The following is an entry in ClinVar:

NM_014704.4(CEP104):c.2571+3G>A

Gene: CEP104 (centrosomal protein 104; minus strand). Cytogenetic location: 1p36.32.
Variant type: single nucleotide variant.
Coding change: c.2571+3G>A on transcript NM_014704.4 (MANE Select); 3 bases into the intron after coding-DNA position 2571, G replaced by A.
Molecular consequence: intron variant.
Genome position (GRCh38, 1-based): chr1:3,823,171, C>T on the plus strand (G>A on the coding strand, the complement: CEP104 is on the minus strand). VCF-style: chr1-3823171-C-T. GRCh37 (hg19) VCF-style: chr1-3739735-C-T.
Identifiers: ClinVar variation 2262834 (VCV002262834.2), dbSNP rs2525351237, ClinGen allele CA2580062512.
Genomic context (GRCh38, chr1:3,823,171, plus strand): 5'-CCACCACTGCCATCCACAGGTGTGTCACCTACTTCACTGGTCCCTTCTCCCCAGGCCCCT[C>T]ACCTCTTCTCCAGGGCTGAAGTTCTCATGACACAGGGGACACCGGTTTGCCAGCTTCTCC-3'

ClinVar aggregate classification (germline): Uncertain significance (1 of 4 stars; one submission).

Conditions:
Inborn genetic diseases. Identifiers: MedGen C0950123, MeSH D030342.

Submission:

Ambry Genetics
Classification: Uncertain significance for Inborn genetic diseases. Last evaluated: 2021-12-23. Review status: criteria provided, single submitter. Criteria: Ambry Variant Classification Scheme 2023. Collection method: clinical testing. Allele origin: germline.
Comment: The c.2571+3G>A intronic alteration consists of a G to A substitution nucleotides after coding exon 19 in the CEP104 gene. Based on insufficient or conflicting evidence, the clinical significance of this alteration remains unclear.